The following is an entry in ClinVar:

NM_018975.4(TERF2IP):c.728T>C (p.Ile243Thr)

Gene: TERF2IP (TERF2 interacting protein; plus strand). Cytogenetic location: 16q23.1.
Variant type: single nucleotide variant.
Coding change: c.728T>C on transcript NM_018975.4 (MANE Select); coding-DNA position 728, T replaced by C.
Protein change: p.Ile243Thr; replaces isoleucine 243 with threonine.
Molecular consequence: missense variant. On other transcripts: non-coding transcript variant (1).
Genome position (GRCh38, 1-based): chr16:75,654,330, T>C. VCF-style: chr16-75654330-T-C. GRCh37 (hg19) VCF-style: chr16-75688228-T-C.
Other names: short protein forms I243T.
Identifiers: ClinVar variation 2992791 (VCV002992791.3), dbSNP rs1256931865, ClinGen allele CA396819106.

ClinVar aggregate classification (germline): Uncertain significance (1 of 4 stars; one submission).

Allele frequency attached by ClinVar (database versions not stated): gnomAD 0.00001; gnomAD exomes 0.00001; TOPMed 0.00001.
gnomAD v4.1: 12 of 1,613,730 alleles (0.00074%); highest among the groups gnomAD compares: Non-Finnish European, 0.00051%; no homozygotes.

Submission:

Labcorp Genetics (formerly Invitae), Labcorp
Classification: Uncertain significance. Last evaluated: 2023-11-07. Review status: criteria provided, single submitter. Criteria: Invitae Variant Classification Sherloc (09022015). Collection method: clinical testing. Allele origin: germline.
Comment: This sequence change replaces isoleucine, which is neutral and non-polar, with threonine, which is neutral and polar, at codon 243 of the TERF2IP protein (p.Ile243Thr). This variant is present in population databases (no rsID available, gnomAD 0.0009%). This variant has not been reported in the literature in individuals affected with TERF2IP-related conditions. Algorithms developed to predict the effect of missense changes on protein structure and function output the following: SIFT: "Not Available"; PolyPhen-2: "Benign"; Align-GVGD: "Not Available". The threonine amino acid residue is found in multiple mammalian species, which suggests that this missense change does not adversely affect protein function. In summary, the available evidence is currently insufficient to determine the role of this variant in disease. Therefore, it has been classified as a Variant of Uncertain Significance.